The following is an entry in ClinVar:

ClinVar aggregate classification (germline): Uncertain significance. Review status: criteria provided, multiple submitters, no conflicts (2 of 4 stars). 9 submissions from 9 submitters: Uncertain significance (8). 1 of the submissions does not count toward it. Last evaluated 2025-06-18.

Conditions:
Hereditary cancer-predisposing syndrome. Also called: Tumor predisposition; Neoplastic Syndromes, Hereditary; Hereditary neoplastic syndrome; Hereditary Cancer Syndrome. Identifiers: Orphanet 140162, MedGen C0027672, MeSH D009386, MONDO:0015356.
Hereditary breast ovarian cancer syndrome. Also called: Hereditary breast and ovarian cancer syndrome; Hereditary breast and ovarian cancer syndrome (HBOC); Hereditary breast and ovarian cancer; Breast and ovarian cancer; BRCA1- and BRCA2-Associated Hereditary Breast and Ovarian Cancer; Hereditary breast and/or ovarian cancer syndrome. Identifiers: Orphanet 145, MedGen C0677776, MeSH D061325, MONDO:0003582. Disease mechanism: loss of function.
Breast-ovarian cancer, familial, susceptibility to, 2 (BROVCA2). Also called: BRCA2 Hereditary Breast and Ovarian Cancer. Identifiers: Orphanet 145, MedGen C2675520, MONDO:0012933, OMIM 612555. Disease mechanism: loss of function.
Familial cancer of breast. Also called: BREAST CANCER, FAMILIAL; hereditary breast carcinoma; Hereditary breast cancer. Identifiers: Orphanet 227535, MedGen C0346153, MONDO:0016419, OMIM 114480. Disease mechanism: loss of function.

Allele frequency attached by ClinVar (database versions not stated): gnomAD exomes below 0.00001 and 0.00001; TOPMed below 0.00001.
gnomAD v4.1: 2 of 1,613,826 alleles (0.00012%); highest among the groups gnomAD compares: African/African-American, 0.0027%; no homozygotes.

Submissions (9):

Labcorp Genetics (formerly Invitae), Labcorp
Classification: Uncertain significance for Hereditary breast ovarian cancer syndrome. Last evaluated: 2025-06-18. Review status: criteria provided, single submitter. Criteria: Invitae Variant Classification Sherloc (09022015). Collection method: clinical testing. Allele origin: germline.
Comment: This sequence change replaces asparagine, which is neutral and polar, with aspartic acid, which is acidic and polar, at codon 2447 of the BRCA2 protein (p.Asn2447Asp). This variant is present in population databases (rs4986859, gnomAD 0.01%). This variant has not been reported in the literature in individuals affected with BRCA2-related conditions. ClinVar contains an entry for this variant (Variation ID: 185933). Invitae Evidence Modeling of protein sequence and biophysical properties (such as structural, functional, and spatial information, amino acid conservation, physicochemical variation, residue mobility, and thermodynamic stability) indicates that this missense variant is not expected to disrupt BRCA2 protein function with a negative predictive value of 95%. In summary, the available evidence is currently insufficient to determine the role of this variant in disease. Therefore, it has been classified as a Variant of Uncertain Significance.

Ambry Genetics
Classification: Uncertain significance for Hereditary cancer-predisposing syndrome. Last evaluated: 2025-03-03. Review status: criteria provided, single submitter. Criteria: Ambry Variant Classification Scheme 2023. Collection method: clinical testing. Allele origin: germline.
Comment: The p.N2447D variant (also known as c.7339A>G), located in coding exon 13 of the BRCA2 gene, results from an A to G substitution at nucleotide position 7339. The asparagine at codon 2447 is replaced by aspartic acid, an amino acid with highly similar properties. This amino acid position is well conserved in available vertebrate species. In addition, this alteration is predicted to be tolerated by in silico analysis. Since supporting evidence is limited at this time, the clinical significance of this alteration remains unclear.

Women's Health and Genetics/Laboratory Corporation of America, LabCorp
Classification: Uncertain significance. Last evaluated: 2024-09-11. Review status: criteria provided, single submitter. Criteria: LabCorp Variant Classification Summary - May 2015. Collection method: clinical testing. Allele origin: germline.
Comment: Variant summary: BRCA2 c.7339A>G (p.Asn2447Asp) results in a conservative amino acid change in the encoded protein sequence. Five of five in-silico tools predict a benign effect of the variant on protein function. The variant allele was found at a frequency of 8e-06 in 251078 control chromosomes. The available data on variant occurrences in the general population are insufficient to allow any conclusion about variant significance. To our knowledge, no occurrence of c.7339A>G in individuals affected with Hereditary Breast And Ovarian Cancer Syndrome and no experimental evidence demonstrating its impact on protein function have been reported. ClinVar contains an entry for this variant (Variation ID: 185933). Based on the evidence outlined above, the variant was classified as uncertain significance.

Color Diagnostics, LLC DBA Color Health
Classification: Uncertain significance for Hereditary cancer-predisposing syndrome. Last evaluated: 2024-05-24. Review status: criteria provided, single submitter. Criteria: ACMG Guidelines, 2015. Collection method: clinical testing. Allele origin: germline.
Comment: This missense variant replaces asparagine with aspartic acid at codon 2447 of the BRCA2 protein. Computational prediction suggests that this variant may not impact protein structure and function. To our knowledge, functional studies have not been reported for this variant. This variant has not been reported in individuals affected with BRCA2-related disorders in the literature. This variant has been identified in 2/251078 chromosomes in the general population by the Genome Aggregation Database (gnomAD). The available evidence is insufficient to determine the role of this variant in disease conclusively. Therefore, this variant is classified as a Variant of Uncertain Significance.

Blueprint Genetics
Classification: Uncertain significance. Last evaluated: 2024-04-29. Review status: criteria provided, single submitter. Criteria: ACMG Guidelines, 2015. Collection method: clinical testing. Allele origin: germline.

Quest Diagnostics Nichols Institute San Juan Capistrano
Classification: Uncertain significance. Last evaluated: 2024-03-04. Review status: criteria provided, single submitter. Criteria: Quest Diagnostics criteria. Collection method: clinical testing. Allele origin: unknown.
Comment: The BRCA2 c.7339A>G (p.Asn2447Asp) variant has been reported in the published literature in an individual with ovarian cancer (PMID: 31748433 (2020)). The frequency of this variant in the general population, 0.000008 (2/251078 chromosomes (Genome Aggregation Database)), is uninformative in the assessment of its pathogenicity. Analysis of this variant using bioinformatics tools for the prediction of the effect of amino acid changes on protein structure and function yielded predictions that this variant is benign. Based on the available information, we are unable to determine the clinical significance of this variant.

Baylor Genetics
Classification: Uncertain significance for Familial cancer of breast. Last evaluated: 2024-01-22. Review status: criteria provided, single submitter. Criteria: ACMG Guidelines, 2015. Collection method: clinical testing. Allele origin: unknown.

GeneDx
Classification: Uncertain significance. Last evaluated: 2023-07-13. Review status: criteria provided, single submitter. Criteria: GeneDx Variant Classification Process June 2021. Collection method: clinical testing. Allele origin: germline. Affected: yes.
Comment: Not observed at significant frequency in large population cohorts (gnomAD); In silico analysis supports that this missense variant does not alter protein structure/function; Has not been previously published as a germline pathogenic or benign variant to our knowledge; Also known as 7567A>G; This variant is associated with the following publications: (PMID: 31191615, 18724707)

Sharing Clinical Reports Project (SCRP)
Classification: Uncertain significance for Breast-ovarian cancer, familial 2. Last evaluated: 2011-09-16. Review status: no assertion criteria provided. Collection method: clinical testing. Allele origin: germline. Not counted in ClinVar's aggregate classification.

Literature cited by the submitters: PubMed 18724707 (cited by Ambry Genetics and Quest Diagnostics Nichols Institute San Juan Capistrano); PubMed 31748433 (cited by Quest Diagnostics Nichols Institute San Juan Capistrano).

NM_000059.4(BRCA2):c.7339A>G (p.Asn2447Asp)

Gene: BRCA2 (BRCA2 DNA repair associated; plus strand). Cytogenetic location: 13q13.1.
Variant type: single nucleotide variant.
Coding change: c.7339A>G on transcript NM_000059.4 (MANE Select); coding-DNA position 7339, A replaced by G.
Protein change: p.Asn2447Asp; replaces asparagine 2447 with aspartic acid.
Molecular consequence: missense variant.
Genome position (GRCh38, 1-based): chr13:32,355,192, A>G. VCF-style: chr13-32355192-A-G. GRCh37 (hg19) VCF-style: chr13-32929329-A-G.
Other names: 7567A>G; short protein forms N2447D.
Identifiers: ClinVar variation 185933 (VCV000185933.24), dbSNP rs4986859, ClinGen allele CA025034.